The following is an entry in ClinVar:

ClinVar aggregate classification (germline): Conflicting classifications of pathogenicity. Review status: criteria provided, conflicting classifications (1 of 4 stars). 3 submissions from 3 submitters: Uncertain significance (2); Likely benign (1). Last evaluated 2026-01-21.

Conditions:
Ehlers-Danlos syndrome, classic type, 1 (EDSCL1). Also called: EDS I; Ehlers-Danlos syndrome, type 1; EHLERS-DANLOS SYNDROME, GRAVIS TYPE; EHLERS-DANLOS SYNDROME, SEVERE CLASSIC TYPE; Ehlers-Danlos Syndrome, Classic Type, COL5A1-Related. Identifiers: MedGen C0268335, MONDO:0019567, OMIM 130000.

Allele frequency attached by ClinVar (database versions not stated): TOPMed 0.00002.

Submissions (3):

Labcorp Genetics (formerly Invitae), Labcorp
Classification: Likely benign for Ehlers-Danlos syndrome, classic type, 1. Last evaluated: 2026-01-21. Review status: criteria provided, single submitter. Criteria: Invitae Variant Classification Sherloc (09022015). Collection method: clinical testing. Allele origin: germline.

GeneDx
Classification: Uncertain significance. Last evaluated: 2024-07-22. Review status: criteria provided, single submitter. Criteria: GeneDx Variant Classification Process June 2021. Collection method: clinical testing. Allele origin: germline. Affected: yes.
Comment: Not observed at significant frequency in large population cohorts (gnomAD); In silico analysis indicates that this missense variant does not alter protein structure/function; Has not been previously published as pathogenic or benign to our knowledge; Not located in the triple helical region, where the majority of pathogenic missense variants occur (PMID: 22696272; HGMD); This variant is associated with the following publications: (PMID: 22696272)

Foundation for Research in Genetics and Endocrinology, FRIGE's Institute of Human Genetics
Classification: Uncertain significance for Ehlers-Danlos syndrome, classic type, 1. Last evaluated: 2022-02-25. Review status: criteria provided, single submitter. Criteria: ACMG Guidelines, 2015. Collection method: clinical testing. Allele origin: germline. Inheritance: Autosomal dominant inheritance. Affected: yes. Observed: 1 heterozygote.
Comment: A heterozygous missense variant in exon 7 of the COL5A1 gene that results in the amino acid substitution of Methionine for Threonine at codon 348 was detected. The observed variant c.1043C>T (p.Thr348Met) has not been reported in the 1000 genomes and has a MAF of 0.002% in the gnomAD databases. The in silico prediction of the variant are probably damaging by PolyPhen-2 (HumDiv) and damaging by SIFT and MutationTaster2. The reference codon is conserved across mammals. In summary, the variant meets our criteria to be classified as a variant of uncertain significance.

NM_000093.5(COL5A1):c.1043C>T (p.Thr348Met)

Gene: COL5A1 (collagen type V alpha 1 chain; plus strand). Cytogenetic location: 9q34.3.
Variant type: single nucleotide variant.
Coding change: c.1043C>T on transcript NM_000093.5 (MANE Select); coding-DNA position 1043, C replaced by T.
Protein change: p.Thr348Met; replaces threonine 348 with methionine.
Molecular consequence: missense variant.
Genome position (GRCh38, 1-based): chr9:134,730,354, C>T. VCF-style: chr9-134730354-C-T. GRCh37 (hg19) VCF-style: chr9-137622200-C-T.
Other names: p.Thr348Met; c.1043C>T, p.Thr348Met (NM_001278074.1); c.1043C>T (NM_000093.3); short protein forms T348M.
Identifiers: ClinVar variation 1706437 (VCV001706437.7), dbSNP rs1339426358, ClinGen allele CA375449690.